The following is an entry in ClinVar:

ClinVar aggregate classification (germline): Benign. Review status: criteria provided, multiple submitters, no conflicts (2 of 4 stars). 4 submissions from 4 submitters: Benign (3). 1 of the submissions does not count toward it. Last evaluated 2026-02-02.

Conditions:
PEPD-related disorder. Also called: PEPD-related condition.

Allele frequency attached by ClinVar (database versions not stated): gnomAD exomes 0.00245; ExAC 0.00331; ESP Exome Variant Server 0.00966; gnomAD 0.00993 and 0.01061; TOPMed 0.01092; 1000 Genomes Project 0.01178; 1000 Genomes Project 30x 0.01249.
gnomAD v4.1: 3,105 of 1,610,304 alleles (0.19%); highest among the groups gnomAD compares: African/African-American, 3.6%; 42 homozygotes.

Submissions (4):

Labcorp Genetics (formerly Invitae), Labcorp
Classification: Benign. Last evaluated: 2026-02-02. Review status: criteria provided, single submitter. Criteria: Invitae Variant Classification Sherloc (09022015). Collection method: clinical testing. Allele origin: germline.

Mayo Clinic Laboratories, Mayo Clinic
Classification: Benign. Last evaluated: 2025-06-10. Review status: criteria provided, single submitter. Criteria: ACMG Guidelines, 2015. Collection method: clinical testing. Allele origin: germline. Observed: 10 variant alleles.
Comment: BS1, BS2, BP4

Breakthrough Genomics
Classification: Benign. Review status: criteria provided, single submitter. Criteria: ACMG Guidelines, 2015. Collection method: not provided. Allele origin: germline. Inheritance: Autosomal recessive inheritance. Affected: yes.

PreventionGenetics, part of Exact Sciences
Classification: Benign for PEPD-related condition. Last evaluated: 2019-07-11. Review status: no assertion criteria provided. Collection method: clinical testing. Allele origin: germline. Not counted in ClinVar's aggregate classification.
Comment: This variant is classified as benign based on ACMG/AMP sequence variant interpretation guidelines (Richards et al. 2015 PMID: 25741868, with internal and published modifications).

NM_000285.4(PEPD):c.442C>T (p.Arg148Cys)

Gene: PEPD (peptidase D; minus strand). Cytogenetic location: 19q13.11.
Variant type: single nucleotide variant.
Coding change: c.442C>T on transcript NM_000285.4 (MANE Select); coding-DNA position 442, C replaced by T.
Protein change: p.Arg148Cys; replaces arginine 148 with cysteine.
Molecular consequence: missense variant.
Genome position (GRCh38, 1-based): chr19:33,490,057, G>A on the plus strand (C>T on the coding strand, the complement: PEPD is on the minus strand). VCF-style: chr19-33490057-G-A. GRCh37 (hg19) VCF-style: chr19-33980963-G-A.
Other names: p.Arg148Cys; c.442C>T, p.Arg148Cys (NM_001166056.2); c.250C>T, p.Arg84Cys (NM_001166057.2); short protein forms R84C, R148C.
Identifiers: ClinVar variation 791722 (VCV000791722.15), dbSNP rs61734505, ClinGen allele CA9364321.